The following is an entry in ClinVar:

ClinVar aggregate classification (germline): Pathogenic (1 of 4 stars; one submission).

Submission:

GeneDx
Classification: Pathogenic. Last evaluated: 2019-09-25. Review status: criteria provided, single submitter. Criteria: GeneDx Variant Classification (06012015). Collection method: clinical testing. Allele origin: germline. Affected: yes.
Comment: The c.111delCinsTAGCTCACA variant has not been published as a pathogenic variant, nor has it been reported as a benign variant to our knowledge. The variant is not observed in large population cohorts (Lek et al., 2016). It causes a frameshift starting with codon Arginine 38, changes this amino acid to a Serine residue and creates a premature Stop codon at position 19 of the new reading frame, denoted p.Arg38SerfsX19. This variant is predicted to cause loss of normal protein function either through protein truncation or nonsense-mediated mRNA decay. We interpret this variant as pathogenic.

NM_001368894.2(PAX6):c.111delinsTAGCTCACA (p.Arg38fs)

Gene: PAX6 (paired box 6; minus strand). Cytogenetic location: 11p13.
Variant type: Indel.
Coding change: c.111delinsTAGCTCACA on transcript NM_001368894.2 (MANE Select); coding-DNA position 111, C replaced by TAGCTCACA.
Protein change: p.Arg38fs; shifts the reading frame from arginine 38.
Molecular consequence: frameshift variant. On other transcripts: 5 prime UTR variant (12), non-coding transcript variant (2), intron variant (2).
Genome position (GRCh38, 1-based): chr11:31,802,734, G replaced by TGTGAGCTA on the plus strand (C replaced by TAGCTCACA on the coding strand, the reverse complement: PAX6 is on the minus strand). VCF-style: chr11-31802734-G-TGTGAGCTA. GRCh37 (hg19) VCF-style: chr11-31824282-G-TGTGAGCTA.
Other names: c.111delinsTAGCTCACA, p.Arg38fs (NM_000280.6, NM_001127612.3, NM_001258462.3 and 30 more transcripts); c.-671delinsTAGCTCACA (NM_001310160.2, NM_001368905.2); c.-340delinsTAGCTCACA (NM_001310161.3, NM_001368900.2, NM_001368903.2 and 2 more transcripts); c.-298delinsTAGCTCACA (NM_001368899.2, NM_001368901.2, NM_001368906.2 and 1 more transcripts); c.-629delinsTAGCTCACA (NM_001368902.2); c.354delinsTAGCTCACA, p.Arg119fs (NM_001368910.2); c.114delinsTAGCTCACA, p.Arg39fs (NM_001368911.2); c.-267-958delinsTAGCTCACA (NM_001368909.2, NM_001368904.2); short protein forms R38fs, R119fs, R39fs.
Identifiers: ClinVar variation 817506 (VCV000817506.2), dbSNP rs1592563502, ClinGen allele CA915948082.